The following is an entry in ClinVar:

NM_002890.3(RASA1):c.262G>C (p.Gly88Arg)

Gene: RASA1 (RAS p21 protein activator 1; plus strand). Cytogenetic location: 5q14.3.
Variant type: single nucleotide variant.
Coding change: c.262G>C on transcript NM_002890.3 (MANE Select); coding-DNA position 262, G replaced by C.
Protein change: p.Gly88Arg; replaces glycine 88 with arginine.
Molecular consequence: missense variant.
Genome position (GRCh38, 1-based): chr5:87,268,713, G>C. VCF-style: chr5-87268713-G-C. GRCh37 (hg19) VCF-style: chr5-86564530-G-C.
Other names: short protein forms G88R.
Identifiers: ClinVar variation 1971880 (VCV001971880.5), dbSNP rs369735817, ClinGen allele CA3335372.

ClinVar aggregate classification (germline): Uncertain significance (1 of 4 stars; one submission).

Conditions:
Capillary malformation-arteriovenous malformation syndrome. Also called: Capillary malformation-arteriovenous malformation. Identifiers: Orphanet 137667, MedGen C1842180, MONDO:0012016.

Allele frequency attached by ClinVar (database versions not stated): ESP Exome Variant Server 0.00008.
gnomAD v4.1: 7 of 1,612,370 alleles (0.00043%); highest among the groups gnomAD compares: Non-Finnish European, 0.00059%; no homozygotes.

Submission:

Labcorp Genetics (formerly Invitae), Labcorp
Classification: Uncertain significance for Capillary malformation-arteriovenous malformation syndrome. Last evaluated: 2024-09-27. Review status: criteria provided, single submitter. Criteria: Invitae Variant Classification Sherloc (09022015). Collection method: clinical testing. Allele origin: germline.
Comment: This sequence change replaces glycine, which is neutral and non-polar, with arginine, which is basic and polar, at codon 88 of the RASA1 protein (p.Gly88Arg). This variant is present in population databases (rs369735817, gnomAD 0.003%). This variant has not been reported in the literature in individuals affected with RASA1-related conditions. ClinVar contains an entry for this variant (Variation ID: 1971880). An algorithm developed to predict the effect of missense changes on protein structure and function (PolyPhen-2) suggests that this variant is likely to be disruptive. In summary, the available evidence is currently insufficient to determine the role of this variant in disease. Therefore, it has been classified as a Variant of Uncertain Significance.